The following is an entry in ClinVar:

NM_004064.5(CDKN1B):c.499G>C (p.Ala167Pro)

Gene: CDKN1B (cyclin dependent kinase inhibitor 1B; plus strand). Cytogenetic location: 12p13.1.
Variant type: single nucleotide variant.
Coding change: c.499G>C on transcript NM_004064.5 (MANE Select); coding-DNA position 499, G replaced by C.
Protein change: p.Ala167Pro; replaces alanine 167 with proline.
Molecular consequence: missense variant.
Genome position (GRCh38, 1-based): chr12:12,718,848, G>C. VCF-style: chr12-12718848-G-C. GRCh37 (hg19) VCF-style: chr12-12871782-G-C.
Other names: short protein forms A167P.
Identifiers: ClinVar variation 2064324 (VCV002064324.4), dbSNP rs763817628, ClinGen allele CA383972718.

ClinVar aggregate classification (germline): Uncertain significance (1 of 4 stars; one submission).

Conditions:
Multiple endocrine neoplasia type 4. Also called: MULTIPLE ENDOCRINE NEOPLASIA, TYPE IV. Identifiers: Orphanet 276152, MedGen C1970712, MONDO:0012552, OMIM 610755.

gnomAD v4.1: 2 of 1,614,056 alleles (0.00012%); highest among the groups gnomAD compares: Non-Finnish European, 0.00017%; no homozygotes.

Submission:

Labcorp Genetics (formerly Invitae), Labcorp
Classification: Uncertain significance for Multiple endocrine neoplasia type 4. Last evaluated: 2022-02-28. Review status: criteria provided, single submitter. Criteria: Invitae Variant Classification Sherloc (09022015). Collection method: clinical testing. Allele origin: germline.
Comment: In summary, the available evidence is currently insufficient to determine the role of this variant in disease. Therefore, it has been classified as a Variant of Uncertain Significance. Algorithms developed to predict the effect of missense changes on protein structure and function are either unavailable or do not agree on the potential impact of this missense change (SIFT: "Deleterious"; PolyPhen-2: "Possibly Damaging"; Align-GVGD: "Class C0"). This variant has not been reported in the literature in individuals affected with CDKN1B-related conditions. This variant is not present in population databases (gnomAD no frequency). This sequence change replaces alanine, which is neutral and non-polar, with proline, which is neutral and non-polar, at codon 167 of the CDKN1B protein (p.Ala167Pro).